The following is an entry in ClinVar:

NM_006073.4(TRDN):c.367G>A (p.Asp123Asn)

Gene: TRDN (triadin; minus strand). Cytogenetic location: 6q22.31.
Variant type: single nucleotide variant.
Coding change: c.367G>A on transcript NM_006073.4 (MANE Select); coding-DNA position 367, G replaced by A.
Protein change: p.Asp123Asn; replaces aspartic acid 123 with asparagine.
Molecular consequence: missense variant.
Genome position (GRCh38, 1-based): chr6:123,548,478, C>T on the plus strand (G>A on the coding strand, the complement: TRDN is on the minus strand). VCF-style: chr6-123548478-C-T. GRCh37 (hg19) VCF-style: chr6-123869623-C-T.
Other names: p.Asp123Asn; c.367G>A, p.Asp123Asn (NM_001251987.2, NM_001256020.2, NM_001256021.2 and 1 more transcripts); short protein forms D123N.
Identifiers: ClinVar variation 264130 (VCV000264130.54), dbSNP rs201021891, ClinGen allele CA3984409.

ClinVar aggregate classification (germline): Conflicting classifications of pathogenicity. Review status: criteria provided, conflicting classifications (1 of 4 stars). 7 submissions from 7 submitters: Uncertain significance (1); Benign (1); Likely benign (5). Last evaluated 2026-09-01.

Conditions:
Cardiovascular phenotype. Identifiers: MedGen CN230736.
Catecholaminergic polymorphic ventricular tachycardia 1. Also called: VENTRICULAR TACHYCARDIA, STRESS-INDUCED POLYMORPHIC 1; VENTRICULAR TACHYCARDIA, CATECHOLAMINERGIC POLYMORPHIC, 1, WITH OR WITHOUT ATRIAL DYSFUNCTION AND/OR DILATED CARDIOMYOPATHY; RYR2-Related Catecholaminergic Polymorphic Ventricular Tachycardia. Identifiers: Orphanet 3286, MedGen C1631597, MONDO:0011484, OMIM 604772.
Catecholaminergic polymorphic ventricular tachycardia 5 (CARDAR). Also called: CARDIAC ARRHYTHMIA SYNDROME, WITH OR WITHOUT SKELETAL MUSCLE WEAKNESS; Ventricular tachycardia, catecholaminergic polymorphic, 5, with or without muscle weakness. Identifiers: Orphanet 3286, MedGen C3809536, MONDO:0014191, OMIM 615441.

Allele frequency attached by ClinVar (database versions not stated): gnomAD exomes 0.00031 and 0.00068; gnomAD 0.00032 and 0.00036; ESP Exome Variant Server 0.00042; TOPMed 0.00043; ExAC 0.00070.

Submissions (7):

CeGaT Center for Human Genetics Tuebingen
Classification: Likely benign. Last evaluated: 2026-09-01. Review status: criteria provided, single submitter. Criteria: CeGaT Center For Human Genetics Tuebingen Variant Classification Criteria Version 2. Collection method: clinical testing. Allele origin: germline. Affected: yes. Observed: 29 variant alleles.
Comment: TRDN: BP4

Labcorp Genetics (formerly Invitae), Labcorp
Classification: Benign for Catecholaminergic polymorphic ventricular tachycardia 1. Last evaluated: 2026-02-03. Review status: criteria provided, single submitter. Criteria: Invitae Variant Classification Sherloc (09022015). Collection method: clinical testing. Allele origin: germline.

Mayo Clinic Laboratories, Mayo Clinic
Classification: Likely benign. Last evaluated: 2025-01-03. Review status: criteria provided, single submitter. Criteria: ACMG Guidelines, 2015. Collection method: clinical testing. Allele origin: germline. Observed: 1 variant allele.
Comment: BS1, BP4

Fulgent Genetics
Classification: Likely benign for Catecholaminergic polymorphic ventricular tachycardia 1; Catecholaminergic polymorphic ventricular tachycardia 5. Last evaluated: 2022-04-20. Review status: criteria provided, single submitter. Criteria: ACMG Guidelines, 2015. Collection method: clinical testing. Allele origin: unknown.

GeneDx
Classification: Likely benign. Last evaluated: 2020-12-16. Review status: criteria provided, single submitter. Criteria: GeneDx Variant Classification Process June 2021. Collection method: clinical testing. Allele origin: germline. Affected: yes.
Comment: This variant is associated with the following publications: (PMID: 31341780)

Ambry Genetics
Classification: Likely benign for Cardiovascular phenotype. Last evaluated: 2017-12-12. Review status: criteria provided, single submitter. Criteria: Ambry Variant Classification Scheme 2023. Collection method: clinical testing. Allele origin: germline.

Stanford Center for Inherited Cardiovascular Disease, Stanford University
Classification: Uncertain significance. Last evaluated: 2017-05-22. Review status: criteria provided, single submitter. Criteria: ACMG Guidelines, 2015. Collection method: provider interpretation. Allele origin: germline.

Literature cited by the submitters: PubMed 31341780 (cited by Mayo Clinic Laboratories, Mayo Clinic).